The following is an entry in ClinVar:

ClinVar aggregate classification (germline): Uncertain significance (1 of 4 stars; one submission).

Allele frequency attached by ClinVar (database versions not stated): gnomAD 0.00001.
gnomAD v4.1: 15 of 1,613,118 alleles (0.00093%); highest among the groups gnomAD compares: Non-Finnish European, 0.0012%; no homozygotes.

Submission:

Labcorp Genetics (formerly Invitae), Labcorp
Classification: Uncertain significance. Last evaluated: 2021-12-28. Review status: criteria provided, single submitter. Criteria: Invitae Variant Classification Sherloc (09022015). Collection method: clinical testing. Allele origin: germline.
Comment: This sequence change affects codon 688 of the VPS11 mRNA. It is a 'silent' change, meaning that it does not change the encoded amino acid sequence of the VPS11 protein. It affects a nucleotide within the consensus splice site. This variant is not present in population databases (gnomAD no frequency). This variant has not been reported in the literature in individuals affected with VPS11-related conditions. Algorithms developed to predict the effect of sequence changes on RNA splicing suggest that this variant may disrupt the consensus splice site. In summary, the available evidence is currently insufficient to determine the role of this variant in disease. Therefore, it has been classified as a Variant of Uncertain Significance.

NM_021729.6(VPS11):c.2064G>T (p.Leu688=)

Gene: VPS11 (VPS11 core subunit of CORVET and HOPS complexes; plus strand). Cytogenetic location: 11q23.3.
Variant type: single nucleotide variant.
Coding change: c.2064G>T on transcript NM_021729.6 (MANE Select); coding-DNA position 2064, G replaced by T.
Protein change: p.Leu688=; no amino-acid change (leucine 688 retained).
Molecular consequence: synonymous variant. On other transcripts: non-coding transcript variant (8).
Genome position (GRCh38, 1-based): chr11:119,078,795, G>T. VCF-style: chr11-119078795-G-T. GRCh37 (hg19) VCF-style: chr11-118949505-G-T.
Other names: c.2034G>T, p.Leu678= (NM_001290185.2); c.2076G>T, p.Leu692= (NM_001378218.1, NM_001378219.1); c.2049G>T, p.Leu683= (NM_001378220.1); c.2046G>T, p.Leu682= (NM_001378221.1).
Identifiers: ClinVar variation 1901733 (VCV001901733.2), dbSNP rs2134796945, ClinGen allele CA477369050.